The following is an entry in ClinVar:

NM_014946.4(SPAST):c.918T>C (p.Thr306=)

Gene: SPAST (spastin; plus strand). Cytogenetic location: 2p22.3.
Variant type: single nucleotide variant.
Coding change: c.918T>C on transcript NM_014946.4 (MANE Select); coding-DNA position 918, T replaced by C.
Protein change: p.Thr306=; no amino-acid change (threonine 306 retained).
Molecular consequence: synonymous variant.
Genome position (GRCh38, 1-based): chr2:32,115,749, T>C. VCF-style: chr2-32115749-T-C. GRCh37 (hg19) VCF-style: chr2-32340818-T-C.
Other names: c.915T>C, p.Thr305= (NM_001363823.2); c.819T>C, p.Thr273= (NM_001363875.2); c.822T>C, p.Thr274= (NM_001377959.1, NM_199436.2).
Identifiers: ClinVar variation 1706866 (VCV001706866.3), dbSNP rs2465838305, ClinGen allele CA425445835.
Genomic context (GRCh38, chr2:32,115,749, plus strand): 5'-TGTATCCTTTAAGGGTACTCCGAAAACAAATAGGACAAATAAACCTTCTACCCCTACAAC[T>C]GCTACTCGTAAGAAAAAAGACTTGAAGAATTTTAGGAATGTGGACAGCAACCTTGCTAAC-3'
Protein context (NP_055761.2, residues 296-316): NRTNKPSTPT[Thr306=]ATRKKKDLKN

ClinVar aggregate classification (germline): Conflicting classifications of pathogenicity. Review status: criteria provided, conflicting classifications (1 of 4 stars). 2 submissions from 2 submitters: Uncertain significance (1); Likely benign (1). Last evaluated 2025-02-15.

Conditions:
Hereditary spastic paraplegia 4. Also called: Spastic Paraplegia 4; Spastic paraplegia 4, autosomal dominant; Familial spastic paraplegia autosomal dominant 2. Identifiers: Orphanet 100985, MedGen C1866855, MONDO:0008438, OMIM 182601.

Submissions (2):

Labcorp Genetics (formerly Invitae), Labcorp
Classification: Likely benign for Hereditary spastic paraplegia 4. Last evaluated: 2025-02-15. Review status: criteria provided, single submitter. Criteria: Invitae Variant Classification Sherloc (09022015). Collection method: clinical testing. Allele origin: germline.

GeneDx
Classification: Uncertain significance. Last evaluated: 2022-03-21. Review status: criteria provided, single submitter. Criteria: GeneDx Variant Classification Process June 2021. Collection method: clinical testing. Allele origin: germline. Affected: yes.
Comment: Not observed at significant frequency in large population cohorts (gnomAD); In silico analysis supports that this variant does not alter splicing; Has not been previously published as pathogenic or benign to our knowledge